The following is an entry in ClinVar:

NM_003470.3(USP7):c.251C>T (p.Ser84Leu)

Gene: USP7 (ubiquitin specific peptidase 7; minus strand). Cytogenetic location: 16p13.2.
Variant type: single nucleotide variant.
Coding change: c.251C>T on transcript NM_003470.3 (MANE Select); coding-DNA position 251, C replaced by T.
Protein change: p.Ser84Leu; replaces serine 84 with leucine.
Molecular consequence: missense variant. On other transcripts: 5 prime UTR variant (1), non-coding transcript variant (1).
Genome position (GRCh38, 1-based): chr16:8,923,347, G>A on the plus strand (C>T on the coding strand, the complement: USP7 is on the minus strand). VCF-style: chr16-8923347-G-A. GRCh37 (hg19) VCF-style: chr16-9017204-G-A.
Other names: c.203C>T, p.Ser68Leu (NM_001286457.2); c.-47C>T (NM_001286458.2); c.77C>T, p.Ser26Leu (NM_001321858.2); short protein forms S26L, S68L, S84L.
Identifiers: ClinVar variation 4197925 (VCV004197925.1).
Genomic context (GRCh38, chr16:8,923,347, plus strand): 5'-CGTGGCATCACCATAATCTTCCATGGCAGATTTCGCACAAAACACGGAGGGCTAAGGACC[G>A]ACTCACTCAGTCTGCTGAAGCGCTCCACAGTGAACTGAAAGGTTGCCTCGGAGCGCCAAC-3'
Protein context (NP_003461.2, residues 74-94): TVERFSRLSE[Ser84Leu]VLSPPCFVRN

ClinVar aggregate classification (germline): Uncertain significance (1 of 4 stars; one submission).

Conditions:
Inborn genetic diseases. Identifiers: MedGen C0950123, MeSH D030342.

gnomAD v4.1: 1 of 1,614,186 alleles (0.000062%); highest among the groups gnomAD compares: Non-Finnish European, 0.000085%; no homozygotes.

Submission:

Ambry Genetics
Classification: Uncertain significance for Inborn genetic diseases. Last evaluated: 2025-07-29. Review status: criteria provided, single submitter. Criteria: Ambry Variant Classification Scheme 2023. Collection method: clinical testing. Allele origin: germline.
Comment: The c.251C>T (p.S84L) alteration is located in exon 3 (coding exon 3) of the USP7 gene. This alteration results from a C to T substitution at nucleotide position 251, causing the serine (S) at amino acid position 84 to be replaced by a leucine (L). This variant was not reported in population-based cohorts in the Genome Aggregation Database (gnomAD). This amino acid position is highly conserved in available vertebrate species. This missense alteration is located in a region that has a low rate of benign missense variation (Lek, 2016; Firth, 2009). The in silico prediction for this alteration is inconclusive. Based on insufficient or conflicting evidence, the clinical significance of this alteration remains unclear.